The following is an entry in ClinVar:

ClinVar aggregate classification (germline): Pathogenic (1 of 4 stars; one submission).

Submission:

Labcorp Genetics (formerly Invitae), Labcorp
Classification: Pathogenic. Last evaluated: 2022-04-15. Review status: criteria provided, single submitter. Criteria: Invitae Variant Classification Sherloc (09022015). Collection method: clinical testing. Allele origin: germline.
Comment: This variant is a gross deletion of the genomic region encompassing exon(s) 5-59 of the ADGRV1 gene. This variant would be expected to be in-frame, preserving the integrity of the reading frame. This variant has not been reported in the literature in individuals affected with ADGRV1-related conditions. This variant disrupts a region of the ADGRV1 protein in which other variant(s) (p.Pro352Leu) have been determined to be pathogenic (PMID: 30303587; Invitae). This suggests that this is a clinically significant region of the protein, and that variants that disrupt it are likely to be disease-causing. For these reasons, this variant has been classified as Pathogenic.

Literature cited by the submitters: PubMed 30303587.

NC_000005.9:g.(?_89918394)_(90059306_?)del

Gene: ADGRV1 (adhesion G protein-coupled receptor V1; plus strand). Cytogenetic location: 5q14.3.
Variant type: Deletion.
Identifiers: ClinVar variation 2427014 (VCV002427014.4).